The following is an entry in ClinVar:

ClinVar aggregate classification (germline): Benign/Likely benign. Review status: criteria provided, multiple submitters, no conflicts (2 of 4 stars). 2 submissions from 2 submitters: Benign (1); Likely benign (1). Last evaluated 2021-05-14.

Conditions:
Aicardi-Goutieres syndrome 3. Identifiers: Orphanet 51, MedGen C1835916, MONDO:0012471, OMIM 610329.

Allele frequency attached by ClinVar (database versions not stated): gnomAD exomes 0.00094; 1000 Genomes Project 0.00779; gnomAD 0.00795 and 0.00847; TOPMed 0.00923; 1000 Genomes Project 30x 0.00953.

Submissions (2):

GeneDx
Classification: Likely benign. Last evaluated: 2021-05-14. Review status: criteria provided, single submitter. Criteria: GeneDx Variant Classification Process June 2021. Collection method: clinical testing. Allele origin: germline. Affected: yes.

Illumina Laboratory Services, Illumina
Classification: Benign for Aicardi-Goutieres syndrome 3. Last evaluated: 2018-01-13. Review status: criteria provided, single submitter. Criteria: ICSL Variant Classification Criteria 13 December 2019. Collection method: clinical testing. Allele origin: germline.
Comment: This variant was observed in the ICSL laboratory as part of a predisposition screen in an ostensibly healthy population. It had not been previously curated by ICSL or reported in the Human Gene Mutation Database (HGMD: prior to June 1st, 2018), and was therefore a candidate for classification through an automated scoring system. Utilizing variant allele frequency, disease prevalence and penetrance estimates, and inheritance mode, an automated score was calculated to assess if this variant is too frequent to cause the disease. Based on the score and internal cut-off values, a variant classified as benign is not then subjected to further curation. The score for this variant resulted in a classification of benign for this disease.

NM_032193.4(RNASEH2C):c.*1295T>C

Genes: KAT5 (lysine acetyltransferase 5; plus strand), RNASEH2C (ribonuclease H2 subunit C; minus strand). Cytogenetic location: 11q13.1.
Variant type: single nucleotide variant.
Coding change: c.*1295T>C on transcript NM_032193.4 (MANE Select); 1295 bases downstream of the stop codon, T replaced by C.
Molecular consequence: 3 prime UTR variant. On other transcripts: intron variant (4).
Genome position (GRCh38, 1-based): chr11:65,718,488, A>G on the plus strand (T>C on the coding strand, the complement: RNASEH2C is on the minus strand). VCF-style: chr11-65718488-A-G. GRCh37 (hg19) VCF-style: chr11-65485959-A-G.
Other names: c.1265-102A>G (NM_182710.3); c.1109-102A>G (NM_001206833.2); c.1166-102A>G (NM_006388.4); c.1010-102A>G (NM_182709.3).
Identifiers: ClinVar variation 305336 (VCV000305336.6), dbSNP rs4645937, ClinGen allele CA10631194.